The following is an entry in ClinVar:

ClinVar aggregate classification (germline): Likely benign. Review status: criteria provided, multiple submitters, no conflicts (2 of 4 stars). 8 submissions from 5 submitters: Likely benign (8). Last evaluated 2026-09-26.

Conditions:
CACNA1S-related disorder. Also called: CACNA1S-related condition.
Congenital myopathy 18. Also called: Myopathy, congenital, due to dihydropyridine receptor defect; DIHYDROPYRIDINE RECEPTOR CONGENITAL MYOPATHY; DHPR CONGENITAL MYOPATHY. Identifiers: MedGen C5830283, MONDO:0859514, OMIM 620246.
Hypokalemic periodic paralysis, type 1. Also called: HypoPP; Hypokalemic Periodic Paralysis Type 1 (AD). Identifiers: Orphanet 681, MedGen C3714580, MONDO:0042979, OMIM 170400.
Malignant hyperthermia, susceptibility to, 5 (MHS5). Also called: CACNA1S-Related Malignant Hyperthermia Susceptibility. Identifiers: Orphanet 423, MedGen C1866077, MONDO:0011163, OMIM 601887.
Thyrotoxic periodic paralysis, susceptibility to, 1 (TTPP1). Identifiers: Orphanet 79102, MedGen C2749982, MONDO:0008570, OMIM 188580.

Allele frequency attached by ClinVar (database versions not stated): ExAC 0.00002; gnomAD exomes 0.00004; ESP Exome Variant Server 0.00008; gnomAD 0.00009 and 0.00010; TOPMed 0.00013.
gnomAD v4.1: 28 of 1,614,068 alleles (0.0017%); highest among the groups gnomAD compares: African/African-American, 0.024%; no homozygotes.

Submissions (8):

PreventionGenetics, part of Exact Sciences
Classification: Likely benign for CACNA1S-related condition. Last evaluated: 2026-09-26. Review status: criteria provided, single submitter. Criteria: ACMG Guidelines, 2015. Collection method: clinical testing. Allele origin: germline.
Comment: This variant is classified as likely benign based on ACMG/AMP sequence variant interpretation guidelines (Richards et al. 2015 PMID: 25741868, with internal and published modifications).

Labcorp Genetics (formerly Invitae), Labcorp
Classification: Likely benign for Hypokalemic periodic paralysis, type 1; Malignant hyperthermia, susceptibility to, 5. Last evaluated: 2026-02-01. Review status: criteria provided, single submitter. Criteria: Invitae Variant Classification Sherloc (09022015). Collection method: clinical testing. Allele origin: germline.

Genome-Nilou Lab
Classification: Likely benign for Malignant hyperthermia, susceptibility to, 5. Last evaluated: 2023-04-11. Review status: criteria provided, single submitter. Criteria: ACMG Guidelines, 2015. Collection method: clinical testing. Allele origin: germline. Affected: no.

Genome-Nilou Lab
Classification: Likely benign for Thyrotoxic periodic paralysis, susceptibility to, 1. Last evaluated: 2023-04-11. Review status: criteria provided, single submitter. Criteria: ACMG Guidelines, 2015. Collection method: clinical testing. Allele origin: germline. Affected: no.

Genome-Nilou Lab
Classification: Likely benign for Congenital myopathy 18. Last evaluated: 2023-04-11. Review status: criteria provided, single submitter. Criteria: ACMG Guidelines, 2015. Collection method: clinical testing. Allele origin: germline. Affected: no.

Genome-Nilou Lab
Classification: Likely benign for Hypokalemic periodic paralysis, type 1. Last evaluated: 2023-04-11. Review status: criteria provided, single submitter. Criteria: ACMG Guidelines, 2015. Collection method: clinical testing. Allele origin: germline. Affected: no.

Color Diagnostics, LLC DBA Color Health
Classification: Likely benign for Malignant hyperthermia, susceptibility to, 5. Last evaluated: 2022-11-06. Review status: criteria provided, single submitter. Criteria: ACMG Guidelines, 2015. Collection method: clinical testing. Allele origin: germline.

Fulgent Genetics
Classification: Likely benign for Hypokalemic periodic paralysis, type 1; Thyrotoxic periodic paralysis, susceptibility to, 1; Malignant hyperthermia, susceptibility to, 5. Last evaluated: 2022-01-25. Review status: criteria provided, single submitter. Criteria: ACMG Guidelines, 2015. Collection method: clinical testing. Allele origin: unknown.

NM_000069.3(CACNA1S):c.2520C>T (p.Thr840=)

Gene: CACNA1S (calcium voltage-gated channel subunit alpha1 S; minus strand). Cytogenetic location: 1q32.1.
Variant type: single nucleotide variant.
Coding change: c.2520C>T on transcript NM_000069.3 (MANE Select); coding-DNA position 2520, C replaced by T.
Protein change: p.Thr840=; no amino-acid change (threonine 840 retained).
Molecular consequence: synonymous variant.
Genome position (GRCh38, 1-based): chr1:201,069,167, G>A on the plus strand (C>T on the coding strand, the complement: CACNA1S is on the minus strand). VCF-style: chr1-201069167-G-A. GRCh37 (hg19) VCF-style: chr1-201038295-G-A.
Identifiers: ClinVar variation 695759 (VCV000695759.15), dbSNP rs147076871, ClinGen allele CA079047.